The following is an entry in ClinVar:

NM_000179.3(MSH6):c.3250G>A (p.Asp1084Asn)

Gene: MSH6 (mutS homolog 6; plus strand). Cytogenetic location: 2p16.3.
Variant type: single nucleotide variant.
Coding change: c.3250G>A on transcript NM_000179.3 (MANE Select); coding-DNA position 3250, G replaced by A.
Protein change: p.Asp1084Asn; replaces aspartic acid 1084 with asparagine.
Molecular consequence: missense variant.
Genome position (GRCh38, 1-based): chr2:47,803,497, G>A. VCF-style: chr2-47803497-G-A. GRCh37 (hg19) VCF-style: chr2-48030636-G-A.
Other names: c.2860G>A, p.Asp954Asn (NM_001281492.2); c.2344G>A, p.Asp782Asn (NM_001281493.2, NM_001281494.2); short protein forms D1084N, D954N, D782N.
Identifiers: ClinVar variation 483844 (VCV000483844.5), dbSNP rs1553331360, ClinGen allele CA346758119.

ClinVar aggregate classification (germline): Uncertain significance (1 of 4 stars; one submission).

Conditions:
Hereditary cancer-predisposing syndrome. Also called: Neoplastic Syndromes, Hereditary; Tumor predisposition; Hereditary Cancer Syndrome; Hereditary neoplastic syndrome. Identifiers: Orphanet 140162, MedGen C0027672, MeSH D009386, MONDO:0015356.

Submission:

Ambry Genetics
Classification: Uncertain significance for Hereditary cancer-predisposing syndrome. Last evaluated: 2017-03-08. Review status: criteria provided, single submitter. Criteria: Ambry Variant Classification Scheme 2023. Collection method: clinical testing. Allele origin: germline.
Comment: The p.D1084N variant (also known as c.3250G>A), located in coding exon 5 of the MSH6 gene, results from a G to A substitution at nucleotide position 3250. The aspartic acid at codon 1084 is replaced by asparagine, an amino acid with highly similar properties. This amino acid position is not well conserved in available vertebrate species. In addition, this alteration is predicted to be tolerated by in silico analysis. In addition, the CoDP in silico tool predicts this alteration to have a minor impact on molecular function, with a score of 0.000 (Terui H et al. J. Biomed. Sci. 2013 Apr;20:25). Since supporting evidence is limited at this time, the clinical significance of this alteration remains unclear.